The following is an entry in ClinVar:

NM_001349338.3(FOXP1):c.420+3A>G

Gene: FOXP1 (forkhead box P1; minus strand). Cytogenetic location: 3p13.
Variant type: single nucleotide variant.
Coding change: c.420+3A>G on transcript NM_001349338.3 (MANE Select); 3 bases into the intron after coding-DNA position 420, A replaced by G.
Molecular consequence: intron variant.
Genome position (GRCh38, 1-based): chr3:71,053,633, T>C on the plus strand (A>G on the coding strand, the complement: FOXP1 is on the minus strand). VCF-style: chr3-71053633-T-C. GRCh37 (hg19) VCF-style: chr3-71102784-T-C.
Other names: c.420+3A>G (NM_001244810.2, NM_032682.6, NM_001349340.3 and 4 more transcripts); c.283-6538A>G (NM_001244812.3); c.120+3A>G (NM_001349343.3, NM_001349342.3, NM_001349337.2 and 4 more transcripts).
Identifiers: ClinVar variation 2031107 (VCV002031107.4), dbSNP rs2545884205, ClinGen allele CA2580070425.

ClinVar aggregate classification (germline): Uncertain significance (1 of 4 stars; one submission).

Submission:

Labcorp Genetics (formerly Invitae), Labcorp
Classification: Uncertain significance. Last evaluated: 2022-09-18. Review status: criteria provided, single submitter. Criteria: Invitae Variant Classification Sherloc (09022015). Collection method: clinical testing. Allele origin: germline.
Comment: This variant is not present in population databases (gnomAD no frequency). This variant has not been reported in the literature in individuals affected with FOXP1-related conditions. Variants that disrupt the consensus splice site are a relatively common cause of aberrant splicing (PMID: 17576681, 9536098). Algorithms developed to predict the effect of sequence changes on RNA splicing suggest that this variant is not likely to affect RNA splicing. In summary, the available evidence is currently insufficient to determine the role of this variant in disease. Therefore, it has been classified as a Variant of Uncertain Significance. This sequence change falls in intron 8 of the FOXP1 gene. It does not directly change the encoded amino acid sequence of the FOXP1 protein. It affects a nucleotide within the consensus splice site.

Literature cited by the submitters: PubMed 17576681; PubMed 9536098.